The following is an entry in ClinVar:

ClinVar aggregate classification (germline): Pathogenic/Likely pathogenic. Review status: criteria provided, multiple submitters, no conflicts (2 of 4 stars). 2 submissions from 2 submitters: Pathogenic (1); Likely pathogenic (1). Last evaluated 2024-03-26.

Conditions:
Charlevoix-Saguenay spastic ataxia (SACS). Also called: SPASTIC ATAXIA 6, AUTOSOMAL RECESSIVE; AUTOSOMAL RECESSIVE SPASTIC ATAXIA OF CHARLEVOIX-SAGUENAY; Spastic ataxia of Charlevoix-Saguenay. Identifiers: Orphanet 98, MedGen C1849140, MONDO:0010041, OMIM 270550.

Submissions (2):

Genomic Medicine Center of Excellence, King Faisal Specialist Hospital and Research Centre
Classification: Pathogenic for Charlevoix-Saguenay spastic ataxia. Last evaluated: 2024-03-26. Review status: criteria provided, single submitter. Criteria: ACMG Guidelines, 2015. Collection method: clinical testing. Allele origin: germline.

Women's Health and Genetics/Laboratory Corporation of America, LabCorp
Classification: Likely pathogenic for Charlevoix-Saguenay spastic ataxia. Last evaluated: 2022-08-18. Review status: criteria provided, single submitter. Criteria: LabCorp Variant Classification Summary - May 2015. Collection method: clinical testing. Allele origin: germline.
Comment: Variant summary: SACS c.5296G>T (p.Glu1766X) results in a premature termination codon, predicted to cause a truncation of the encoded protein, which is a commonly known mechanism for disease. Although the variant is not predicted to cause nonsense mediated decay, truncations downstream of this position have been classified as pathogenic by our laboratory. The variant was absent in 251108 control chromosomes (gnomAD). To our knowledge, no occurrence of c.5296G>T in individuals affected with Autosomal Recessive Spastic Ataxia Of Charlevoix-Saguenay and no experimental evidence demonstrating its impact on protein function have been reported. No clinical diagnostic laboratories have submitted clinical-significance assessments for this variant to ClinVar after 2014. Based on the evidence outlined above, the variant was classified as likely pathogenic.

NM_014363.6(SACS):c.5296G>T (p.Glu1766Ter)

Gene: SACS (sacsin molecular chaperone; minus strand). Cytogenetic location: 13q12.12.
Variant type: single nucleotide variant.
Coding change: c.5296G>T on transcript NM_014363.6 (MANE Select); coding-DNA position 5296, G replaced by T.
Protein change: p.Glu1766Ter; replaces glutamic acid 1766 with a stop codon.
Molecular consequence: nonsense.
Genome position (GRCh38, 1-based): chr13:23,338,580, C>A on the plus strand (G>T on the coding strand, the complement: SACS is on the minus strand). VCF-style: chr13-23338580-C-A. GRCh37 (hg19) VCF-style: chr13-23912719-C-A.
Other names: c.4855G>T, p.Glu1619Ter (NM_001278055.2); short protein forms E1619*, E1766*.
Identifiers: ClinVar variation 1705138 (VCV001705138.2), dbSNP rs2542268784, ClinGen allele CA387525980.